The following is an entry in ClinVar:

NM_004360.5(CDH1):c.944A>G (p.Asn315Ser)

Gene: CDH1 (cadherin 1; plus strand). Cytogenetic location: 16q22.1.
Variant type: single nucleotide variant.
Coding change: c.944A>G on transcript NM_004360.5 (MANE Select); coding-DNA position 944, A replaced by G.
Protein change: p.Asn315Ser; replaces asparagine 315 with serine.
Molecular consequence: missense variant. On other transcripts: 5 prime UTR variant (2).
Genome position (GRCh38, 1-based): chr16:68,811,795, A>G. VCF-style: chr16-68811795-A-G. GRCh37 (hg19) VCF-style: chr16-68845698-A-G.
Other names: c.944A>G, p.Asn315Ser (NM_001317184.2); c.-672A>G (NM_001317185.2); c.-876A>G (NM_001317186.2); short protein forms N315S.
Identifiers: ClinVar variation 2453336 (VCV002453336.4), dbSNP rs1960840611, ClinGen allele CA396459773.

ClinVar aggregate classification (germline): Likely pathogenic (1 of 4 stars; one submission).

Conditions:
Hereditary cancer-predisposing syndrome. Also called: Neoplastic Syndromes, Hereditary; Tumor predisposition; Hereditary neoplastic syndrome; Hereditary Cancer Syndrome. Identifiers: Orphanet 140162, MedGen C0027672, MeSH D009386, MONDO:0015356.

Submission:

Ambry Genetics
Classification: Likely pathogenic for Hereditary cancer-predisposing syndrome. Last evaluated: 2025-12-05. Review status: criteria provided, single submitter. Criteria: Ambry Variant Classification Scheme 2023. Collection method: clinical testing. Allele origin: germline.
Comment: The c.944A>G variant (also known as p.N315S), located in coding exon 7 of the CDH1 gene, results from an A to G substitution at nucleotide position 944. The asparagine at codon 315 is replaced by serine, an amino acid with highly similar properties. This nucleotide position is well conserved in available vertebrate species. In silico splice site analysis predicts that this alteration will result in the creation or strengthening of a novel splice donor site. RNA studies have demonstrated that this alteration results in abnormal splicing in the set of samples tested (Ambry internal data). This variant is considered to be rare based on population cohorts in the Genome Aggregation Database (gnomAD). Based on the majority of available evidence to date, this variant is likely to be pathogenic.